The following is an entry in ClinVar:

ClinVar aggregate classification (germline): Uncertain significance (1 of 4 stars; one submission).

Conditions:
CLTC-related disorder. Also called: CLTC-related condition.

gnomAD v4.1: 12 of 1,603,600 alleles (0.00075%); highest among the groups gnomAD compares: Non-Finnish European, 0.00085%; no homozygotes.

Submission:

PreventionGenetics, part of Exact Sciences
Classification: Uncertain significance for CLTC-related condition. Last evaluated: 2026-04-28. Review status: criteria provided, single submitter. Criteria: ACMG Guidelines, 2015. Collection method: clinical testing. Allele origin: germline.
Comment: The CLTC c.259G>T variant is predicted to result in premature protein termination (p.Glu87*). To our knowledge, this variant has not been reported in the literature. This variant is reported in 0.0035% of alleles in individuals of European (Non-Finnish) descent in gnomAD. At this time, the clinical significance of this variant is uncertain due to the absence of conclusive functional and genetic evidence.

NM_004859.4(CLTC):c.250+9G>T

Gene: CLTC (clathrin heavy chain; plus strand). Cytogenetic location: 17q23.1.
Variant type: single nucleotide variant.
Coding change: c.250+9G>T on transcript NM_004859.4 (MANE Select); 9 bases into the intron after coding-DNA position 250, G replaced by T.
Molecular consequence: intron variant. On other transcripts: nonsense (1).
Genome position (GRCh38, 1-based): chr17:59,644,492, G>T. VCF-style: chr17-59644492-G-T. GRCh37 (hg19) VCF-style: chr17-57721853-G-T.
Other names: c.259G>T, p.Glu87Ter (NM_001288653.2); short protein forms E87*.
Identifiers: ClinVar variation 4985201 (VCV004985201.1).